The following is an entry in ClinVar:

ClinVar aggregate classification (germline): Uncertain significance (1 of 4 stars; one submission).

Submission:

GeneDx
Classification: Uncertain significance. Last evaluated: 2023-02-15. Review status: criteria provided, single submitter. Criteria: GeneDx Variant Classification Process June 2021. Collection method: clinical testing. Allele origin: germline. Affected: yes.
Comment: Not observed at significant frequency in large population cohorts (gnomAD); In silico analysis supports that this missense variant has a deleterious effect on protein structure/function; Has not been previously published as pathogenic or benign to our knowledge

NM_014991.6(WDFY3):c.3541C>G (p.Arg1181Gly)

Gene: WDFY3 (WD repeat and FYVE domain containing 3; minus strand). Cytogenetic location: 4q21.23.
Variant type: single nucleotide variant.
Coding change: c.3541C>G on transcript NM_014991.6 (MANE Select); coding-DNA position 3541, C replaced by G.
Protein change: p.Arg1181Gly; replaces arginine 1181 with glycine.
Molecular consequence: missense variant.
Genome position (GRCh38, 1-based): chr4:84,789,854, G>C on the plus strand (C>G on the coding strand, the complement: WDFY3 is on the minus strand). VCF-style: chr4-84789854-G-C. GRCh37 (hg19) VCF-style: chr4-85711007-G-C.
Other names: short protein forms R1181G.
Identifiers: ClinVar variation 2576842 (VCV002576842.1), dbSNP rs1226892801, ClinGen allele CA357558688.